The following is an entry in ClinVar:

ClinVar aggregate classification (germline): Benign. Review status: criteria provided, multiple submitters, no conflicts (2 of 4 stars). 3 submissions from 3 submitters: Benign (2). 1 of the submissions does not count toward it. Last evaluated 2026-01-11.

Conditions:
KRT74-related disorder. Also called: KRT74-related condition.

Allele frequency attached by ClinVar (database versions not stated): 1000 Genomes Project 0.00200; 1000 Genomes Project 30x 0.00203; TOPMed 0.00300; ESP Exome Variant Server 0.00454; gnomAD 0.00500 and 0.00519; gnomAD exomes 0.00501 and 0.00515; ExAC 0.00557.
gnomAD v4.1: 8,012 of 1,614,192 alleles (0.5%); highest among the groups gnomAD compares: Non-Finnish European, 0.53%; 45 homozygotes.

Submissions (3):

Labcorp Genetics (formerly Invitae), Labcorp
Classification: Benign. Last evaluated: 2026-01-11. Review status: criteria provided, single submitter. Criteria: Invitae Variant Classification Sherloc (09022015). Collection method: clinical testing. Allele origin: germline.

Breakthrough Genomics
Classification: Benign. Review status: criteria provided, single submitter. Criteria: ACMG Guidelines, 2015. Collection method: not provided. Allele origin: germline. Inheritance: Autosomal recessive inheritance. Affected: yes.

PreventionGenetics, part of Exact Sciences
Classification: Benign for KRT74-related condition. Last evaluated: 2019-10-30. Review status: no assertion criteria provided. Collection method: clinical testing. Allele origin: germline. Not counted in ClinVar's aggregate classification.
Comment: This variant is classified as benign based on ACMG/AMP sequence variant interpretation guidelines (Richards et al. 2015 PMID: 25741868, with internal and published modifications).

NM_175053.4(KRT74):c.298G>A (p.Gly100Arg)

Gene: KRT74 (keratin 74; minus strand). Cytogenetic location: 12q13.13.
Variant type: single nucleotide variant.
Coding change: c.298G>A on transcript NM_175053.4 (MANE Select); coding-DNA position 298, G replaced by A.
Protein change: p.Gly100Arg; replaces glycine 100 with arginine.
Molecular consequence: missense variant.
Genome position (GRCh38, 1-based): chr12:52,573,480, C>T on the plus strand (G>A on the coding strand, the complement: KRT74 is on the minus strand). VCF-style: chr12-52573480-C-T. GRCh37 (hg19) VCF-style: chr12-52967264-C-T.
Other names: short protein forms G100R.
Identifiers: ClinVar variation 789219 (VCV000789219.12), dbSNP rs142401177, ClinGen allele CA6584145.